The following is an entry in ClinVar:

ClinVar aggregate classification (germline): Uncertain significance (1 of 4 stars; one submission).

Conditions:
Hereditary cancer-predisposing syndrome. Also called: Tumor predisposition; Hereditary Cancer Syndrome; Neoplastic Syndromes, Hereditary; Hereditary neoplastic syndrome. Identifiers: Orphanet 140162, MedGen C0027672, MeSH D009386, MONDO:0015356.

Submission:

Ambry Genetics
Classification: Uncertain significance for Hereditary cancer-predisposing syndrome. Last evaluated: 2022-08-23. Review status: criteria provided, single submitter. Criteria: Ambry Variant Classification Scheme 2023. Collection method: clinical testing. Allele origin: germline.
Comment: The c.261-1087_261-1063del25 intronic variant, located in intron 1 of the MSH6 gene, results from a deletion of 25 nucleotides from nucleotide position c.261-1087 to c.261-1063. In silico splice site analysis predicts that this alteration will result in the creation or strengthening of a novel splice acceptor site; however, direct evidence is insufficient at this time (Ambry internal data). Since supporting evidence is limited at this time, the clinical significance of this alteration remains unclear.

NM_000179.3(MSH6):c.261-1087_261-1063del

Gene: MSH6 (mutS homolog 6; plus strand). Cytogenetic location: 2p16.3.
Variant type: Deletion.
Coding change: c.261-1087_261-1063del on transcript NM_000179.3 (MANE Select); 1087 bases into the intron before coding-DNA position 261 through 1063 bases into the intron before coding-DNA position 261, 25 bases deleted (TGAGACAGAGTCTTGCTCTGTTGCC).
Molecular consequence: intron variant.
Genome position (GRCh38, 1-based): chr2:47,789,840-47,789,864, TGAGACAGAGTCTTGCTCTGTTGCC deleted. VCF-style (leftmost placement, unchanged base first): chr2-47789839-TTGAGACAGAGTCTTGCTCTGTTGCC-T. GRCh37 (hg19) VCF-style: chr2-48016978-TTGAGACAGAGTCTTGCTCTGTTGCC-T.
Other names: c.-476-1087_-476-1063del (NM_001281493.2); c.237+6370_237+6394del (NM_001281492.2); c.-642-1087_-642-1063del (NM_001281494.2).
Identifiers: ClinVar variation 1793800 (VCV001793800.2), dbSNP rs2530418371, ClinGen allele CA2580066775.